The following is an entry in ClinVar:

ClinVar aggregate classification (germline): Uncertain significance. Review status: criteria provided, multiple submitters, no conflicts (2 of 4 stars). 3 submissions from 3 submitters: Uncertain significance (3). Last evaluated 2025-12-22.

Conditions:
Inborn genetic diseases. Identifiers: MedGen C0950123, MeSH D030342.

Allele frequency attached by ClinVar (database versions not stated): gnomAD exomes below 0.00001; gnomAD 0.00003; TOPMed 0.00006.

Submissions (3):

Labcorp Genetics (formerly Invitae), Labcorp
Classification: Uncertain significance. Last evaluated: 2025-12-22. Review status: criteria provided, single submitter. Criteria: Invitae Variant Classification Sherloc (09022015). Collection method: clinical testing. Allele origin: germline.
Comment: This sequence change replaces isoleucine, which is neutral and non-polar, with methionine, which is neutral and non-polar, at codon 473 of the EFEMP1 protein (p.Ile473Met). This variant is not present in population databases (gnomAD no frequency). This variant has not been reported in the literature in individuals affected with EFEMP1-related conditions. ClinVar contains an entry for this variant (Variation ID: 2911919). Invitae Evidence Modeling of protein sequence and biophysical properties (such as structural, functional, and spatial information, amino acid conservation, physicochemical variation, residue mobility, and thermodynamic stability) indicates that this missense variant is not expected to disrupt EFEMP1 protein function with a negative predictive value of 80%. In summary, the available evidence is currently insufficient to determine the role of this variant in disease. Therefore, it has been classified as a Variant of Uncertain Significance.

Ambry Genetics
Classification: Uncertain significance for Inborn genetic diseases. Last evaluated: 2023-11-06. Review status: criteria provided, single submitter. Criteria: Ambry Variant Classification Scheme 2023. Collection method: clinical testing. Allele origin: germline.

Blueprint Genetics
Classification: Uncertain significance. Last evaluated: 2018-10-23. Review status: criteria provided, single submitter. Criteria: ACMG Guidelines, 2015. Collection method: clinical testing. Allele origin: germline.

NM_001039348.3(EFEMP1):c.1419A>G (p.Ile473Met)

Gene: EFEMP1 (EGF-like fibulin extracellular matrix protein 1; minus strand). Cytogenetic location: 2p16.1.
Variant type: single nucleotide variant.
Coding change: c.1419A>G on transcript NM_001039348.3 (MANE Select); coding-DNA position 1419, A replaced by G.
Protein change: p.Ile473Met; replaces isoleucine 473 with methionine.
Molecular consequence: missense variant.
Genome position (GRCh38, 1-based): chr2:55,867,136, T>C on the plus strand (A>G on the coding strand, the complement: EFEMP1 is on the minus strand). VCF-style: chr2-55867136-T-C. GRCh37 (hg19) VCF-style: chr2-56094271-T-C.
Other names: c.1419A>G, p.Ile473Met (NM_001039349.3); c.1419A>G (NM_001039348.2); short protein forms I473M.
Identifiers: ClinVar variation 2911919 (VCV002911919.5), dbSNP rs891386642, ClinGen allele CA347027402.